The following is an entry in ClinVar:

ClinVar aggregate classification (germline): Uncertain significance. Review status: criteria provided, multiple submitters, no conflicts (2 of 4 stars). 2 submissions from 2 submitters: Uncertain significance (2). Last evaluated 2026-06-06.

Allele frequency attached by ClinVar (database versions not stated): gnomAD exomes 0.00001; TOPMed below 0.00001.
gnomAD v4.1: 13 of 1,613,904 alleles (0.00081%); highest among the groups gnomAD compares: Non-Finnish European, 0.0011%; no homozygotes.

Submissions (2):

Ambry Genetics
Classification: Uncertain significance. Last evaluated: 2026-06-06. Review status: criteria provided, single submitter. Criteria: Ambry Variant Classification Scheme 2023. Collection method: clinical testing. Allele origin: germline.
Comment: The p.S334R variant (also known as c.1000A>C), located in coding exon 7 of the ATRIP gene, results from an A to C substitution at nucleotide position 1000. The serine at codon 334 is replaced by arginine, an amino acid with dissimilar properties. This amino acid position is conserved. In addition, the in silico prediction for this alteration is inconclusive. Based on the available evidence, the clinical significance of this variant remains unclear.

Labcorp Genetics (formerly Invitae), Labcorp
Classification: Uncertain significance. Last evaluated: 2022-02-08. Review status: criteria provided, single submitter. Criteria: Invitae Variant Classification Sherloc (09022015). Collection method: clinical testing. Allele origin: germline.
Comment: This sequence change replaces serine, which is neutral and polar, with arginine, which is basic and polar, at codon 334 of the ATRIP protein (p.Ser334Arg). This variant is not present in population databases (gnomAD no frequency). This variant has not been reported in the literature in individuals affected with ATRIP-related conditions. Algorithms developed to predict the effect of missense changes on protein structure and function (SIFT, PolyPhen-2, Align-GVGD) all suggest that this variant is likely to be disruptive. In summary, the available evidence is currently insufficient to determine the role of this variant in disease. Therefore, it has been classified as a Variant of Uncertain Significance.

NM_130384.3(ATRIP):c.1000A>C (p.Ser334Arg)

Genes: ATRIP (ATR interacting protein; plus strand), ATRIP-TREX1 (ATRIP-TREX1 readthrough; plus strand). Cytogenetic location: 3p21.31.
Variant type: single nucleotide variant.
Coding change: c.1000A>C on transcript NM_130384.3 (MANE Select); coding-DNA position 1000, A replaced by C.
Protein change: p.Ser334Arg; replaces serine 334 with arginine.
Molecular consequence: missense variant. On other transcripts: non-coding transcript variant (1).
Genome position (GRCh38, 1-based): chr3:48,459,861, A>C. VCF-style: chr3-48459861-A-C. GRCh37 (hg19) VCF-style: chr3-48501260-A-C.
Other names: c.1000A>C (NM_130384.1); c.619A>C, p.Ser207Arg (NM_001271022.2); c.721A>C, p.Ser241Arg (NM_001271023.2); c.1000A>C, p.Ser334Arg (NM_032166.4); short protein forms S334R, S207R, S241R.
Identifiers: ClinVar variation 2094590 (VCV002094590.5), dbSNP rs1660968456, ClinGen allele CA352719300.
Genomic context (GRCh38, chr3:48,459,861, plus strand): 5'-AACCTGCTCCTGAAGCAGCCTTTGATCCCAGGGTCATCCCTAAGCCTTTGCCACCTCCTG[A>C]GTAGTAGTTCTGAGTCTCCTGCTGGCACCCCCCTGCAGCCACCAGGGTTTGGCAGGTAAG-3'
Protein context (NP_569055.1, residues 324-344): GSSLSLCHLL[Ser334Arg]SSSESPAGTP